The following is an entry in ClinVar:

ClinVar aggregate classification (germline): Uncertain significance (1 of 4 stars; one submission).

Conditions:
Vici syndrome (VICIS). Identifiers: Orphanet 1493, MedGen C1855772, MONDO:0009452, OMIM 242840.

Allele frequency attached by ClinVar (database versions not stated): TOPMed below 0.00001; gnomAD exomes 0.00001.
gnomAD v4.1: 16 of 1,613,674 alleles (0.00099%); highest among the groups gnomAD compares: Non-Finnish European, 0.0014%; no homozygotes.

Submission:

Labcorp Genetics (formerly Invitae), Labcorp
Classification: Uncertain significance for Vici syndrome. Last evaluated: 2019-10-25. Review status: criteria provided, single submitter. Criteria: Invitae Variant Classification Sherloc (09022015). Collection method: clinical testing. Allele origin: germline.
Comment: In summary, the available evidence is currently insufficient to determine the role of this variant in disease. Therefore, it has been classified as a Variant of Uncertain Significance. Algorithms developed to predict the effect of missense changes on protein structure and function (SIFT, PolyPhen-2, Align-GVGD) all suggest that this variant is likely to be tolerated, but these predictions have not been confirmed by published functional studies and their clinical significance is uncertain. This variant has not been reported in the literature in individuals with EPG5-related conditions. This variant is not present in population databases (ExAC no frequency). This sequence change replaces serine with proline at codon 2442 of the EPG5 protein (p.Ser2442Pro). The serine residue is moderately conserved and there is a moderate physicochemical difference between serine and proline.

NM_020964.3(EPG5):c.7324T>C (p.Ser2442Pro)

Gene: EPG5 (ectopic P-granules 5 autophagy tethering factor; minus strand). Cytogenetic location: 18q12.3.
Variant type: single nucleotide variant.
Coding change: c.7324T>C on transcript NM_020964.3 (MANE Select); coding-DNA position 7324, T replaced by C.
Protein change: p.Ser2442Pro; replaces serine 2442 with proline.
Molecular consequence: missense variant.
Genome position (GRCh38, 1-based): chr18:45,857,971, A>G on the plus strand (T>C on the coding strand, the complement: EPG5 is on the minus strand). VCF-style: chr18-45857971-A-G. GRCh37 (hg19) VCF-style: chr18-43437936-A-G.
Other names: short protein forms S2442P.
Identifiers: ClinVar variation 958735 (VCV000958735.10), dbSNP rs764577859, ClinGen allele CA299692379.